The following is an entry in ClinVar:

NM_001142800.2(EYS):c.7247C>G (p.Pro2416Arg)

Gene: EYS (EGF-like photoreceptor maintenance factor; minus strand). Cytogenetic location: 6q12.
Variant type: single nucleotide variant.
Coding change: c.7247C>G on transcript NM_001142800.2 (MANE Select); coding-DNA position 7247, C replaced by G.
Protein change: p.Pro2416Arg; replaces proline 2416 with arginine.
Molecular consequence: missense variant.
Genome position (GRCh38, 1-based): chr6:63,806,354, G>C on the plus strand (C>G on the coding strand, the complement: EYS is on the minus strand). VCF-style: chr6-63806354-G-C. GRCh37 (hg19) VCF-style: chr6-64516247-G-C.
Other names: c.7247C>G, p.Pro2416Arg (NM_001292009.2); c.7247C>G (NM_001142800.1); short protein forms P2416R.
Identifiers: ClinVar variation 1451071 (VCV001451071.6), dbSNP rs1355664698, ClinGen allele CA364388358.
Genomic context (GRCh38, chr6:63,806,354, plus strand): 5'-GAGATCCGTGAATAAGCCAGGAATGAGGTGTATCCAAAGGCATCTGTGCCACTGAACCTT[G>C]GCTGAGTAATATTAATAGCTGTGAAAAAACCCAAACCAAACAGTTAAAATAAACCTGTAC-3'
Protein context (NP_001136272.1, residues 2406-2426): LCTDAINITQ[Pro2416Arg]RFSGTDAFGY

ClinVar aggregate classification (germline): Uncertain significance. Review status: criteria provided, multiple submitters, no conflicts (2 of 4 stars). 2 submissions from 2 submitters: Uncertain significance (2). Last evaluated 2025-07-14.

Conditions:
Inborn genetic diseases. Identifiers: MedGen C0950123, MeSH D030342.

Allele frequency attached by ClinVar (database versions not stated): gnomAD 0.00001; gnomAD exomes 0.00001; TOPMed 0.00001.
gnomAD v4.1: 11 of 1,546,758 alleles (0.00071%); highest among the groups gnomAD compares: Non-Finnish European, 0.00087%; no homozygotes.

Submissions (2):

Ambry Genetics
Classification: Uncertain significance for Inborn genetic diseases. Last evaluated: 2025-07-14. Review status: criteria provided, single submitter. Criteria: Ambry Variant Classification Scheme 2023. Collection method: clinical testing. Allele origin: germline.

Labcorp Genetics (formerly Invitae), Labcorp
Classification: Uncertain significance. Last evaluated: 2021-09-17. Review status: criteria provided, single submitter. Criteria: Invitae Variant Classification Sherloc (09022015). Collection method: clinical testing. Allele origin: germline.
Comment: This sequence change replaces proline with arginine at codon 2416 of the EYS protein (p.Pro2416Arg). The proline residue is highly conserved and there is a moderate physicochemical difference between proline and arginine. This variant is not present in population databases (ExAC no frequency). This variant has not been reported in the literature in individuals with EYS-related conditions. Algorithms developed to predict the effect of missense changes on protein structure and function (SIFT, PolyPhen-2, Align-GVGD) all suggest that this variant is likely to be disruptive, but these predictions have not been confirmed by published functional studies and their clinical significance is uncertain. In summary, the available evidence is currently insufficient to determine the role of this variant in disease. Therefore, it has been classified as a Variant of Uncertain Significance.